The following is an entry in ClinVar:

NM_002294.3(LAMP2):c.1080A>T (p.Gly360=)

Gene: LAMP2 (lysosomal associated membrane protein 2; minus strand). Cytogenetic location: Xq24.
Variant type: single nucleotide variant.
Coding change: c.1080A>T on transcript NM_002294.3 (MANE Select); coding-DNA position 1080, A replaced by T.
Protein change: p.Gly360=; no amino-acid change (glycine 360 retained).
Molecular consequence: synonymous variant.
Genome position (GRCh38, 1-based): chrX:120,441,743, T>A on the plus strand (A>T on the coding strand, the complement: LAMP2 is on the minus strand). VCF-style: chrX-120441743-T-A. GRCh37 (hg19) VCF-style: chrX-119575598-T-A.
Other names: c.1080A>T, p.Gly360= (NM_001122606.1, NM_013995.2).
Identifiers: ClinVar variation 3537207 (VCV003537207.1).

ClinVar aggregate classification (germline): Uncertain significance (1 of 4 stars; one submission).

Conditions:
Cardiovascular phenotype. Identifiers: MedGen CN230736.

Submission:

Ambry Genetics
Classification: Uncertain significance for Cardiovascular phenotype. Last evaluated: 2024-07-26. Review status: criteria provided, single submitter. Criteria: Ambry Variant Classification Scheme 2023. Collection method: clinical testing. Allele origin: germline.
Comment: The c.1080A>T variant (also known as p.G360G), located in coding exon 8 of the LAMP2 gene, results from an A to T substitution at nucleotide position 1080. This nucleotide substitution does not change the amino acid at codon 360. This nucleotide position is not well conserved in available vertebrate species. In silico splice site analysis predicts that this alteration will weaken the native splice donor site and will result in the creation or strengthening of a novel splice donor site. Based on the available evidence, the clinical significance of this variant remains unclear.